The following is an entry in ClinVar:

ClinVar aggregate classification (germline): Uncertain significance (1 of 4 stars; one submission).

Conditions:
Spondyloenchondrodysplasia with immune dysregulation (SPENCDI). Also called: COMBINED IMMUNODEFICIENCY WITH AUTOIMMUNITY AND SPONDYLOMETAPHYSEAL DYSPLASIA; ROIFMAN IMMUNOSKELETAL SYNDROME; SPONDYLOENCHONDRODYSPLASIA WITH OR WITHOUT IMMUNE DYSREGULATION. Identifiers: Orphanet 1855, MedGen C1842763, MONDO:0011939, OMIM 607944.

Submission:

Labcorp Genetics (formerly Invitae), Labcorp
Classification: Uncertain significance for Spondyloenchondrodysplasia with immune dysregulation. Last evaluated: 2022-05-10. Review status: criteria provided, single submitter. Criteria: Invitae Variant Classification Sherloc (09022015). Collection method: clinical testing. Allele origin: germline.
Comment: This sequence change replaces methionine, which is neutral and non-polar, with isoleucine, which is neutral and non-polar, at codon 48 of the ACP5 protein (p.Met48Ile). This variant is not present in population databases (gnomAD no frequency). This variant has not been reported in the literature in individuals affected with ACP5-related conditions. Algorithms developed to predict the effect of missense changes on protein structure and function are either unavailable or do not agree on the potential impact of this missense change (SIFT: "Not Available"; PolyPhen-2: "Benign"; Align-GVGD: "Not Available"). In summary, the available evidence is currently insufficient to determine the role of this variant in disease. Therefore, it has been classified as a Variant of Uncertain Significance.

NM_001611.5(ACP5):c.144G>A (p.Met48Ile)

Gene: ACP5 (acid phosphatase 5, tartrate resistant; minus strand). Cytogenetic location: 19p13.2.
Variant type: single nucleotide variant.
Coding change: c.144G>A on transcript NM_001611.5 (MANE Select); coding-DNA position 144, G replaced by A.
Protein change: p.Met48Ile; replaces methionine 48 with isoleucine.
Molecular consequence: missense variant.
Genome position (GRCh38, 1-based): chr19:11,577,174, C>T on the plus strand (G>A on the coding strand, the complement: ACP5 is on the minus strand). VCF-style: chr19-11577174-C-T. GRCh37 (hg19) VCF-style: chr19-11687989-C-T.
Other names: c.144G>A, p.Met48Ile (NM_001111034.3, NM_001111035.3, NM_001111036.3 and 1 more transcripts); short protein forms M48I.
Identifiers: ClinVar variation 1992583 (VCV001992583.4), dbSNP rs2512731100, ClinGen allele CA404149195.